The following is an entry in ClinVar:

NM_006440.5(TXNRD2):c.299C>T (p.Ala100Val)

Gene: TXNRD2 (thioredoxin reductase 2; minus strand). Cytogenetic location: 22q11.21.
Variant type: single nucleotide variant.
Coding change: c.299C>T on transcript NM_006440.5 (MANE Select); coding-DNA position 299, C replaced by T.
Protein change: p.Ala100Val; replaces alanine 100 with valine.
Molecular consequence: missense variant. On other transcripts: non-coding transcript variant (1).
Genome position (GRCh38, 1-based): chr22:19,918,935, G>A on the plus strand (C>T on the coding strand, the complement: TXNRD2 is on the minus strand). VCF-style: chr22-19918935-G-A. GRCh37 (hg19) VCF-style: chr22-19906458-G-A.
Other names: c.299C>T, p.Ala100Val (NM_001282512.3); c.296C>T, p.Ala99Val (NM_001352300.2); c.209C>T, p.Ala70Val (NM_001352301.2); c.11C>T, p.Ala4Val (NM_001352302.2); c.203C>T, p.Ala68Val (NM_001352303.2); short protein forms A70V, A100V, A4V, A68V, A99V.
Identifiers: ClinVar variation 2717283 (VCV002717283.5), dbSNP rs767878935, ClinGen allele CA10104268.

ClinVar aggregate classification (germline): Uncertain significance. Review status: criteria provided, multiple submitters, no conflicts (2 of 4 stars). 2 submissions from 2 submitters: Uncertain significance (2). Last evaluated 2026-01-01.

Conditions:
Primary dilated cardiomyopathy (DCM). Also called: Dilated Cardiomyopathy. Identifiers: Orphanet 217604, MedGen C0007193, MeSH D002311, MONDO:0005021, HP:0001644. Inheritance: Various modes of inheritance.
Cardiovascular phenotype. Identifiers: MedGen CN230736.

Allele frequency attached by ClinVar (database versions not stated): ExAC 0.00001.

Submissions (2):

Labcorp Genetics (formerly Invitae), Labcorp
Classification: Uncertain significance for Primary dilated cardiomyopathy. Last evaluated: 2026-01-01. Review status: criteria provided, single submitter. Criteria: Invitae Variant Classification Sherloc (09022015). Collection method: clinical testing. Allele origin: germline.
Comment: This sequence change replaces alanine, which is neutral and non-polar, with valine, which is neutral and non-polar, at codon 100 of the TXNRD2 protein (p.Ala100Val). The frequency data for this variant in the population databases is considered unreliable, as metrics indicate poor data quality at this position in the gnomAD database. This variant has not been reported in the literature in individuals affected with TXNRD2-related conditions. ClinVar contains an entry for this variant (Variation ID: 2717283). Invitae Evidence Modeling of protein sequence and biophysical properties (such as structural, functional, and spatial information, amino acid conservation, physicochemical variation, residue mobility, and thermodynamic stability) indicates that this missense variant is not expected to disrupt TXNRD2 protein function with a negative predictive value of 80%. In summary, the available evidence is currently insufficient to determine the role of this variant in disease. Therefore, it has been classified as a Variant of Uncertain Significance.

Ambry Genetics
Classification: Uncertain significance for Cardiovascular phenotype. Last evaluated: 2025-06-23. Review status: criteria provided, single submitter. Criteria: Ambry Variant Classification Scheme 2023. Collection method: clinical testing. Allele origin: germline.
Comment: The p.A100V variant (also known as c.299C>T), located in coding exon 4 of the TXNRD2 gene, results from a C to T substitution at nucleotide position 299. The alanine at codon 100 is replaced by valine, an amino acid with similar properties. This amino acid position is conserved. In addition, the in silico prediction for this alteration is inconclusive. Based on the available evidence, the clinical significance of this variant remains unclear.